The following is an entry in ClinVar:

NM_002336.3(LRP6):c.775C>T (p.Arg259Cys)

Gene: LRP6 (LDL receptor related protein 6; minus strand). Cytogenetic location: 12p13.2.
Variant type: single nucleotide variant.
Coding change: c.775C>T on transcript NM_002336.3 (MANE Select); coding-DNA position 775, C replaced by T.
Protein change: p.Arg259Cys; replaces arginine 259 with cysteine.
Molecular consequence: missense variant. On other transcripts: non-coding transcript variant (1).
Genome position (GRCh38, 1-based): chr12:12,186,992, G>A on the plus strand (C>T on the coding strand, the complement: LRP6 is on the minus strand). VCF-style: chr12-12186992-G-A. GRCh37 (hg19) VCF-style: chr12-12339926-G-A.
Other names: c.775C>T, p.Arg259Cys (NM_001414244.1, NM_001414245.1, NM_001414246.1 and 5 more transcripts); c.577C>T, p.Arg193Cys (NM_001414247.1); c.322C>T, p.Arg108Cys (NM_001414252.1, NM_001414253.1, NM_001414254.1); short protein forms R259C, R108C, R193C.
Identifiers: ClinVar variation 4700753 (VCV004700753.1).

ClinVar aggregate classification (germline): Uncertain significance (1 of 4 stars; one submission).

gnomAD v4.1: 11 of 1,613,974 alleles (0.00068%); highest among the groups gnomAD compares: Admixed American, 0.005%; no homozygotes.

Submission:

Labcorp Genetics (formerly Invitae), Labcorp
Classification: Uncertain significance. Last evaluated: 2025-08-06. Review status: criteria provided, single submitter. Criteria: Invitae Variant Classification Sherloc (09022015). Collection method: clinical testing. Allele origin: germline.
Comment: This sequence change replaces arginine, which is basic and polar, with cysteine, which is neutral and slightly polar, at codon 259 of the LRP6 protein (p.Arg259Cys). This variant is present in population databases (rs149633733, gnomAD 0.01%). This variant has not been reported in the literature in individuals affected with LRP6-related conditions. Invitae Evidence Modeling of protein sequence and biophysical properties (such as structural, functional, and spatial information, amino acid conservation, physicochemical variation, residue mobility, and thermodynamic stability) indicates that this missense variant is not expected to disrupt LRP6 protein function with a negative predictive value of 80%. In summary, the available evidence is currently insufficient to determine the role of this variant in disease. Therefore, it has been classified as a Variant of Uncertain Significance.